The following is an entry in ClinVar:

ClinVar aggregate classification (germline): Uncertain significance (1 of 4 stars; one submission).

Submission:

GeneDx
Classification: Uncertain significance. Last evaluated: 2025-01-30. Review status: criteria provided, single submitter. Criteria: GeneDx Variant Classification Process June 2021. Collection method: clinical testing. Allele origin: germline.
Comment: Not observed at significant frequency in large population cohorts (gnomAD); Frameshift variant predicted to result in abnormal protein length as the last 50 amino acid(s) are replaced with 8 different amino acid(s); Has not been previously published as pathogenic or benign to our knowledge

NM_145261.4(DNAJC19):c.198dup (p.Leu67fs)

Gene: DNAJC19 (DnaJ heat shock protein family (Hsp40) member C19; minus strand). Cytogenetic location: 3q26.33.
Variant type: Duplication.
Coding change: c.198dup on transcript NM_145261.4 (MANE Select); coding-DNA position 198, one base duplicated (A; older notation c.198dupA).
Protein change: p.Leu67fs; shifts the reading frame from leucine 67.
Molecular consequence: frameshift variant. On other transcripts: non-coding transcript variant (1).
Genome position (GRCh38, 1-based): chr3:180,986,954, T duplicated on the plus strand (A on the coding strand, the reverse complement: DNAJC19 is on the minus strand). VCF-style (leftmost placement, unchanged base first): chr3-180986953-G-GT. GRCh37 (hg19) VCF-style: chr3-180704741-G-GT.
Other names: c.123dup, p.Leu42fs (NM_001190233.2); short protein forms L42fs, L67fs.
Identifiers: ClinVar variation 2573662 (VCV002573662.2), dbSNP rs2473930224, ClinGen allele CA2580616014.